The following is an entry in ClinVar:

ClinVar aggregate classification (germline): Likely benign. Review status: criteria provided, single submitter (1 of 4 stars). 2 submissions from 2 submitters: Likely benign (1). 1 of the submissions does not count toward it. Last evaluated 2023-05-04.

Conditions:
Gorlin syndrome. Also called: Basal cell nevus syndrome; Nevoid Basal Cell Carcinoma Syndrome. Identifiers: Orphanet 377, MedGen C0004779, MONDO:0007187.
PTCH2-related disorder. Also called: PTCH2-related condition; PTCH2-related disease.

Allele frequency attached by ClinVar (database versions not stated): ExAC 0.00001; gnomAD exomes 0.00001 and 0.00003; TOPMed 0.00001; gnomAD 0.00002.
gnomAD v4.1: 45 of 1,614,014 alleles (0.0028%); highest among the groups gnomAD compares: Non-Finnish European, 0.0036%; no homozygotes.

Submissions (2):

Labcorp Genetics (formerly Invitae), Labcorp
Classification: Likely benign for Gorlin syndrome. Last evaluated: 2023-05-04. Review status: criteria provided, single submitter. Criteria: Invitae Variant Classification Sherloc (09022015). Collection method: clinical testing. Allele origin: germline.

PreventionGenetics, part of Exact Sciences
Classification: Likely benign for PTCH2-related condition. Last evaluated: 2024-08-29. Review status: no assertion criteria provided. Collection method: clinical testing. Allele origin: germline. Not counted in ClinVar's aggregate classification.
Comment: This variant is classified as likely benign based on ACMG/AMP sequence variant interpretation guidelines (Richards et al. 2015 PMID: 25741868, with internal and published modifications).

NM_003738.5(PTCH2):c.1215+10G>A

Gene: PTCH2 (patched 2; minus strand). Cytogenetic location: 1p34.1.
Variant type: single nucleotide variant.
Coding change: c.1215+10G>A on transcript NM_003738.5 (MANE Select); 10 bases into the intron after coding-DNA position 1215, G replaced by A.
Molecular consequence: intron variant.
Genome position (GRCh38, 1-based): chr1:44,829,392, C>T on the plus strand (G>A on the coding strand, the complement: PTCH2 is on the minus strand). VCF-style: chr1-44829392-C-T. GRCh37 (hg19) VCF-style: chr1-45295064-C-T.
Other names: c.1215+10G>A (NM_001166292.2).
Identifiers: ClinVar variation 453921 (VCV000453921.10), dbSNP rs765764028, ClinGen allele CA823393.